The following is an entry in ClinVar:

NM_000535.7(PMS2):c.2219T>C (p.Ile740Thr)

Gene: PMS2 (PMS1 homolog 2, mismatch repair system component; minus strand). Cytogenetic location: 7p22.1.
Variant type: single nucleotide variant.
Coding change: c.2219T>C on transcript NM_000535.7 (MANE Select); coding-DNA position 2219, T replaced by C.
Protein change: p.Ile740Thr; replaces isoleucine 740 with threonine.
Molecular consequence: missense variant. On other transcripts: non-coding transcript variant (1).
Genome position (GRCh38, 1-based): chr7:5,978,652, A>G on the plus strand (T>C on the coding strand, the complement: PMS2 is on the minus strand). VCF-style: chr7-5978652-A-G. GRCh37 (hg19) VCF-style: chr7-6018283-A-G.
Other names: c.1814T>C, p.Ile605Thr (NM_001322003.2, NM_001322004.2, NM_001322005.2 and 1 more transcripts); c.2063T>C, p.Ile688Thr (NM_001322006.2); c.1901T>C, p.Ile634Thr (NM_001322007.2, NM_001322008.2); c.1658T>C, p.Ile553Thr (NM_001322010.2); c.1286T>C, p.Ile429Thr (NM_001322011.2, NM_001322012.2); c.1646T>C, p.Ile549Thr (NM_001322013.2); c.2219T>C, p.Ile740Thr (NM_001322014.2); c.1910T>C, p.Ile637Thr (NM_001322015.2); short protein forms I740T, I549T, I553T, I605T, I688T, I634T, I429T, I637T.
Identifiers: ClinVar variation 505720 (VCV000505720.9), dbSNP rs1554294462, ClinGen allele CA366736763.
Genomic context (GRCh38, chr7:5,978,652, plus strand): 5'-TTACCATTTTCATCGATAACAAAATCAAAGCCATTCTTTCTAAATATTTCCAGATTTTCT[A>G]TCAGAACAGCTTCATTAACAGCAGTTAAGTTGAGAGTCTGAGGTCTGAAAAACACAAAAA-3'
Protein context (NP_000526.2, residues 730-750): NLTAVNEAVL[Ile740Thr]ENLEIFRKNG

ClinVar aggregate classification (germline): Uncertain significance. Review status: criteria provided, multiple submitters, no conflicts (2 of 4 stars). 4 submissions from 4 submitters: Uncertain significance (4). Last evaluated 2025-02-02.

Conditions:
Hereditary nonpolyposis colorectal neoplasms. Identifiers: MedGen C0009405, MeSH D003123.
Hereditary cancer-predisposing syndrome. Also called: Neoplastic Syndromes, Hereditary; Hereditary Cancer Syndrome; Tumor predisposition; Hereditary neoplastic syndrome. Identifiers: Orphanet 140162, MedGen C0027672, MeSH D009386, MONDO:0015356.

Submissions (4):

Labcorp Genetics (formerly Invitae), Labcorp
Classification: Uncertain significance for Hereditary nonpolyposis colorectal neoplasms. Last evaluated: 2025-02-02. Review status: criteria provided, single submitter. Criteria: Invitae Variant Classification Sherloc (09022015). Collection method: clinical testing. Allele origin: germline.
Comment: This sequence change replaces isoleucine, which is neutral and non-polar, with threonine, which is neutral and polar, at codon 740 of the PMS2 protein (p.Ile740Thr). The frequency data for this variant in the population databases (gnomAD) is considered unreliable due to the presence of homologous sequence, such as pseudogenes or paralogs, in the genome. This variant has not been reported in the literature in individuals affected with PMS2-related conditions. ClinVar contains an entry for this variant (Variation ID: 505720). Invitae Evidence Modeling incorporating data from in vitro experimental studies (internal data) indicates that this missense variant is not expected to disrupt PMS2 function with a negative predictive value of 95%. In summary, the available evidence is currently insufficient to determine the role of this variant in disease. Therefore, it has been classified as a Variant of Uncertain Significance.

Ambry Genetics
Classification: Uncertain significance for Hereditary cancer-predisposing syndrome. Last evaluated: 2023-06-11. Review status: criteria provided, single submitter. Criteria: Ambry Variant Classification Scheme 2023. Collection method: clinical testing. Allele origin: germline.
Comment: The p.I740T variant (also known as c.2219T>C), located in coding exon 13 of the PMS2 gene, results from a T to C substitution at nucleotide position 2219. The isoleucine at codon 740 is replaced by threonine, an amino acid with similar properties. This amino acid position is conserved. In addition, the in silico prediction for this alteration is inconclusive. Since supporting evidence is limited at this time, the clinical significance of this alteration remains unclear.

Women's Health and Genetics/Laboratory Corporation of America, LabCorp
Classification: Uncertain significance. Last evaluated: 2020-10-22. Review status: criteria provided, single submitter. Criteria: LabCorp Variant Classification Summary - May 2015. Collection method: clinical testing. Allele origin: germline.
Comment: Variant summary: PMS2 c.2219T>C (p.Ile740Thr) results in a non-conservative amino acid change in the encoded protein sequence. Four of five in-silico tools predict a damaging effect of the variant on protein function. The variant was absent in 248850 control chromosomes. The available data on variant occurrences in the general population are insufficient to allow any conclusion about variant significance. To our knowledge, no occurrence of c.2219T>C in individuals affected with Lynch Syndrome and no experimental evidence demonstrating its impact on protein function have been reported. One clinical diagnostic laboratory has submitted clinical-significance assessments for this variant to ClinVar after 2014 without evidence for independent evaluation. One laboratory classified the variant as uncertain significance. Based on the evidence outlined above, the variant was classified as uncertain significance.

Laboratory for Molecular Medicine, Mass General Brigham Personalized Medicine
Classification: Uncertain significance. Last evaluated: 2017-04-27. Review status: criteria provided, single submitter. Criteria: LMM Criteria. Collection method: clinical testing. Allele origin: germline. Observed: 1 variant allele.
Comment: The p.Ile740Thr variant in PMS2 has not been previously reported in individuals with Lynch syndrome and was absent from large population studies. Computationa l prediction tools and conservation analysis do not provide strong support for o r against an impact to the protein. In summary, the clinical significance of th e p.Ile740Thr variant is uncertain.